The following is an entry in ClinVar:

NM_007103.4(NDUFV1):c.684dup (p.Phe229fs)

Gene: NDUFV1 (NADH:ubiquinone oxidoreductase core subunit V1; plus strand). Cytogenetic location: 11q13.2.
Variant type: Duplication.
Coding change: c.684dup on transcript NM_007103.4 (MANE Select); coding-DNA position 684, one base duplicated (C; older notation c.684dupC).
Protein change: p.Phe229fs; shifts the reading frame from phenylalanine 229.
Molecular consequence: frameshift variant.
Genome position (GRCh38, 1-based): chr11:67,610,554, C duplicated; the last of 6 consecutive C bases (chr11:67,610,549-67,610,554); duplicating any one gives the same sequence. VCF-style (leftmost placement, unchanged base first): chr11-67610548-G-GC. GRCh37 (hg19) VCF-style: chr11-67378019-G-GC.
Other names: c.657dup, p.Phe220fs (NM_001166102.2); c.684dup (NM_007103.3); short protein forms F229fs, F220fs.
Identifiers: ClinVar variation 2906738 (VCV002906738.4), dbSNP rs750767033, ClinGen allele CA6143239.

ClinVar aggregate classification (germline): Pathogenic/Likely pathogenic. Review status: criteria provided, multiple submitters, no conflicts (2 of 4 stars). 2 submissions from 2 submitters: Pathogenic (1); Likely pathogenic (1). Last evaluated 2025-01-28.

Submissions (2):

GeneDx
Classification: Likely pathogenic. Last evaluated: 2025-01-28. Review status: criteria provided, single submitter. Criteria: GeneDx Variant Classification Process June 2021. Collection method: clinical testing. Allele origin: germline. Affected: yes.
Comment: Frameshift variant predicted to result in protein truncation or nonsense mediated decay in a gene for which loss of function is a known mechanism of disease; Not observed at significant frequency in large population cohorts (gnomAD); Has not been previously published as pathogenic or benign to our knowledge

Labcorp Genetics (formerly Invitae), Labcorp
Classification: Pathogenic. Last evaluated: 2024-01-08. Review status: criteria provided, single submitter. Criteria: Invitae Variant Classification Sherloc (09022015). Collection method: clinical testing. Allele origin: germline.
Comment: This sequence change creates a premature translational stop signal (p.Phe229Leufs*73) in the NDUFV1 gene. It is expected to result in an absent or disrupted protein product. Loss-of-function variants in NDUFV1 are known to be pathogenic (PMID: 10080174, 11349233). This variant is present in population databases (rs750767033, gnomAD 0.0009%). This variant has not been reported in the literature in individuals affected with NDUFV1-related conditions. For these reasons, this variant has been classified as Pathogenic.

Literature cited by the submitters: PubMed 10080174 (cited by Labcorp Genetics (formerly Invitae), Labcorp); PubMed 11349233 (cited by Labcorp Genetics (formerly Invitae), Labcorp).